The following is an entry in ClinVar:

NM_003105.6(SORL1):c.3561T>G (p.Ser1187=)

Gene: SORL1 (sortilin related receptor 1; plus strand). Cytogenetic location: 11q24.1.
Variant type: single nucleotide variant.
Coding change: c.3561T>G on transcript NM_003105.6 (MANE Select); coding-DNA position 3561, T replaced by G.
Protein change: p.Ser1187=; no amino-acid change (serine 1187 retained).
Molecular consequence: synonymous variant.
Genome position (GRCh38, 1-based): chr11:121,577,381, T>G. VCF-style: chr11-121577381-T-G. GRCh37 (hg19) VCF-style: chr11-121448090-T-G.
Other names: c.3561T>G (NM_003105.5).
Identifiers: ClinVar variation 1210021 (VCV001210021.13), dbSNP rs2070045, ClinGen allele CA6329300.

ClinVar aggregate classification (germline): Benign. Review status: criteria provided, multiple submitters, no conflicts (2 of 4 stars). 5 submissions from 5 submitters: Benign (2). 3 of the submissions do not count toward it. Last evaluated 2026-02-03.

Conditions:
SORL1-related disorder. Also called: SORL1-related condition.

Allele frequency attached by ClinVar (database versions not stated): gnomAD 0.23418 and 0.22032; TOPMed 0.23558; ExAC 0.31272; gnomAD exomes 0.32082; ESP Exome Variant Server 0.18756; 1000 Genomes Project 30x 0.33463; 1000 Genomes Project 0.34085.
gnomAD v4.1: 409,496 of 1,609,520 alleles (25%); highest among the groups gnomAD compares: East Asian, 52%; 59,433 homozygotes.

Submissions (5):

Labcorp Genetics (formerly Invitae), Labcorp
Classification: Benign. Last evaluated: 2026-02-03. Review status: criteria provided, single submitter. Criteria: Invitae Variant Classification Sherloc (09022015). Collection method: clinical testing. Allele origin: germline.

Breakthrough Genomics
Classification: Benign. Review status: criteria provided, single submitter. Criteria: ACMG Guidelines, 2015. Collection method: not provided. Allele origin: germline. Inheritance: Unknown mechanism. Affected: yes.

PreventionGenetics, part of Exact Sciences
Classification: Benign for SORL1-related condition. Last evaluated: 2019-10-17. Review status: no assertion criteria provided. Collection method: clinical testing. Allele origin: germline. Not counted in ClinVar's aggregate classification.
Comment: This variant is classified as benign based on ACMG/AMP sequence variant interpretation guidelines (Richards et al. 2015 PMID: 25741868, with internal and published modifications).

Clinical Genetics DNA and cytogenetics Diagnostics Lab, Erasmus MC, Erasmus Medical Center
Classification: Benign. Review status: no assertion criteria provided. Collection method: clinical testing. Allele origin: germline. Affected: yes. Study: VKGL Data-share Consensus. Not counted in ClinVar's aggregate classification.

Genome Diagnostics Laboratory, Amsterdam University Medical Center
Classification: Benign. Review status: no assertion criteria provided. Collection method: clinical testing. Allele origin: germline. Affected: yes. Study: VKGL Data-share Consensus. Not counted in ClinVar's aggregate classification.